The following is an entry in ClinVar:

ClinVar aggregate classification (germline): Conflicting classifications of pathogenicity. Review status: criteria provided, conflicting classifications (1 of 4 stars). 3 submissions from 3 submitters: Uncertain significance (1); Likely benign (2). Last evaluated 2025-12-10.

Conditions:
PKD1-related disorder. Also called: PKD1-related condition.
Inborn genetic diseases. Identifiers: MedGen C0950123, MeSH D030342.

Allele frequency attached by ClinVar (database versions not stated): ExAC 0.00011; gnomAD 0.00011; gnomAD exomes 0.00012; TOPMed 0.00014.
gnomAD v4.1: 115 of 1,002,128 alleles (0.011%); highest among the groups gnomAD compares: Admixed American, 0.13%; no homozygotes.

Submissions (3):

PreventionGenetics, part of Exact Sciences
Classification: Likely benign for PKD1-related condition. Last evaluated: 2025-12-10. Review status: criteria provided, single submitter. Criteria: ACMG Guidelines, 2015. Collection method: clinical testing. Allele origin: germline.
Comment: This variant is classified as likely benign based on ACMG/AMP sequence variant interpretation guidelines (Richards et al. 2015 PMID: 25741868, with internal and published modifications).

Women's Health and Genetics/Laboratory Corporation of America, LabCorp
Classification: Uncertain significance. Last evaluated: 2025-04-22. Review status: criteria provided, single submitter. Criteria: LabCorp Variant Classification Summary - May 2015. Collection method: clinical testing. Allele origin: germline.
Comment: Variant summary: PKD1 c.2221C>T (p.Pro741Ser) results in a non-conservative amino acid change in the encoded protein sequence. Four of five in-silico tools predict a benign effect of the variant on protein function. The variant allele was found at a frequency of 0.00029 in 125918 control chromosomes. This frequency is not significantly higher than estimated for a pathogenic variant in PKD1 causing PKD1-Biallelic Autosomal Recessive Polycystic Kidney Disease, allowing no conclusion about variant significance. To our knowledge, no occurrence of c.2221C>T in individuals affected with PKD1-Biallelic Autosomal Recessive Polycystic Kidney Disease and no experimental evidence demonstrating its impact on protein function have been reported. ClinVar contains an entry for this variant (Variation ID: 2562002). Based on the evidence outlined above, the variant was classified as uncertain significance.

Ambry Genetics
Classification: Likely benign for Inborn genetic diseases. Last evaluated: 2024-01-30. Review status: criteria provided, single submitter. Criteria: Ambry Variant Classification Scheme 2023. Collection method: clinical testing. Allele origin: germline.

NM_001009944.3(PKD1):c.2221C>T (p.Pro741Ser)

Gene: PKD1 (polycystin 1, transient receptor potential channel interacting; minus strand). Cytogenetic location: 16p13.3.
Variant type: single nucleotide variant.
Coding change: c.2221C>T on transcript NM_001009944.3 (MANE Select); coding-DNA position 2221, C replaced by T.
Protein change: p.Pro741Ser; replaces proline 741 with serine.
Molecular consequence: missense variant.
Genome position (GRCh38, 1-based): chr16:2,114,802, G>A on the plus strand (C>T on the coding strand, the complement: PKD1 is on the minus strand). VCF-style: chr16-2114802-G-A. GRCh37 (hg19) VCF-style: chr16-2164803-G-A.
Other names: c.2221C>T, p.Pro741Ser (NM_000296.4); short protein forms P741S.
Identifiers: ClinVar variation 2562002 (VCV002562002.5), dbSNP rs753325067, ClinGen allele CA7833255.